The following is an entry in ClinVar:

ClinVar aggregate classification (germline): Pathogenic (1 of 4 stars; one submission).

Conditions:
Congenital disorder of glycosylation, type Iaa. Also called: Congenital disorder of glycosylation, type 1aa. Identifiers: MedGen C4310727, MONDO:0014904, OMIM 617082.

Submission:

Labcorp Genetics (formerly Invitae), Labcorp
Classification: Pathogenic for Congenital disorder of glycosylation, type Iaa. Last evaluated: 2023-11-24. Review status: criteria provided, single submitter. Criteria: Invitae Variant Classification Sherloc (09022015). Collection method: clinical testing. Allele origin: germline.
Comment: This sequence change results in a frameshift in the NUS1 gene (p.Ala280Leufs*25). While this is not anticipated to result in nonsense mediated decay, it is expected to disrupt the last 14 amino acid(s) of the NUS1 protein and extend the protein by 10 additional amino acid residues. This variant is not present in population databases (gnomAD no frequency). This variant has not been reported in the literature in individuals affected with NUS1-related conditions. This variant disrupts a region of the NUS1 protein in which other variant(s) (p.Arg282Cys) have been determined to be pathogenic (Invitae). This suggests that this is a clinically significant region of the protein, and that variants that disrupt it are likely to be disease-causing. For these reasons, this variant has been classified as Pathogenic.

NM_138459.5(NUS1):c.836_837dup (p.Ala280fs)

Gene: NUS1 (NUS1 dehydrodolichyl diphosphate synthase subunit; plus strand). Cytogenetic location: 6q22.1.
Variant type: Microsatellite.
Coding change: c.836_837dup on transcript NM_138459.5 (MANE Select); coding-DNA positions 836 to 837, 2 bases duplicated (CT; older notation c.836_837dupCT).
Protein change: p.Ala280fs; shifts the reading frame from alanine 280.
Molecular consequence: frameshift variant.
Genome position (GRCh38, 1-based): chr6:117,706,969-117,706,970, CT duplicated; duplicating any 2 consecutive bases within chr6:117,706,966-117,706,970 gives the same sequence; the c. name uses the placement nearest the transcript's 3' end. VCF-style (leftmost placement, unchanged base first): chr6-117706965-T-TTC. GRCh37 (hg19) VCF-style: chr6-118028128-T-TTC.
Other names: short protein forms A280fs.
Identifiers: ClinVar variation 2769035 (VCV002769035.3), dbSNP rs2482037920, ClinGen allele CA2697553666.
Genomic context (GRCh38, chr6:117,706,965, plus strand): 5'-CCCCCGTGTTTTCTTTTCAGCTCTTTGCCTTCCCACCTAAACATCAGTTATGAGGACTTT[T>TTC]TCTCTGCCCTTCGTCAATATGCAGCCTGTGAACAGCGTCTGGGAAAGTAGTGGTCATTGG-3'